The following is an entry in ClinVar:

NM_012213.3(MLYCD):c.256G>A (p.Glu86Lys)

Gene: MLYCD (malonyl-CoA decarboxylase; plus strand). Cytogenetic location: 16q23.3.
Variant type: single nucleotide variant.
Coding change: c.256G>A on transcript NM_012213.3 (MANE Select); coding-DNA position 256, G replaced by A.
Protein change: p.Glu86Lys; replaces glutamic acid 86 with lysine.
Molecular consequence: missense variant.
Genome position (GRCh38, 1-based): chr16:83,899,400, G>A. VCF-style: chr16-83899400-G-A. GRCh37 (hg19) VCF-style: chr16-83933005-G-A.
Other names: short protein forms E86K.
Identifiers: ClinVar variation 4742278 (VCV004742278.1).

ClinVar aggregate classification (germline): Uncertain significance (1 of 4 stars; one submission).

Conditions:
Deficiency of malonyl-CoA decarboxylase. Also called: Malonic aciduria; MCD deficiency. Identifiers: Orphanet 943, MedGen C0342793, MONDO:0009556, OMIM 248360.

Submission:

Labcorp Genetics (formerly Invitae), Labcorp
Classification: Uncertain significance for Deficiency of malonyl-CoA decarboxylase. Last evaluated: 2025-10-01. Review status: criteria provided, single submitter. Criteria: Invitae Variant Classification Sherloc (09022015). Collection method: clinical testing. Allele origin: germline.
Comment: This sequence change replaces glutamic acid, which is acidic and polar, with lysine, which is basic and polar, at codon 86 of the MLYCD protein (p.Glu86Lys). The frequency data for this variant in the population databases is considered unreliable, as metrics indicate poor data quality at this position in the gnomAD database. This variant has not been reported in the literature in individuals affected with MLYCD-related conditions. An algorithm developed to predict the effect of missense changes on protein structure and function (PolyPhen-2) suggests that this variant is likely to be tolerated. In summary, the available evidence is currently insufficient to determine the role of this variant in disease. Therefore, it has been classified as a Variant of Uncertain Significance.